The following is an entry in ClinVar:

NM_006565.4(CTCF):c.610dup (p.Thr204fs)

Gene: CTCF (CCCTC-binding factor; plus strand). Cytogenetic location: 16q22.1.
Variant type: Duplication.
Coding change: c.610dup on transcript NM_006565.4 (MANE Select); coding-DNA position 610, one base duplicated (A; older notation c.610dupA).
Protein change: p.Thr204fs; shifts the reading frame from threonine 204.
Molecular consequence: frameshift variant. On other transcripts: intron variant (1).
Genome position (GRCh38, 1-based): chr16:67,611,442, A duplicated; the last of 7 consecutive A bases (chr16:67,611,436-67,611,442); duplicating any one gives the same sequence. VCF-style (leftmost placement, unchanged base first): chr16-67611435-C-CA. GRCh37 (hg19) VCF-style: chr16-67645338-C-CA.
Other names: c.610dupA (NM_006565.3); c.610dup, p.Thr204Asnfs (NM_001363916.2); c.-32-5303dup (NM_001191022.2); short protein forms T204fs.
Identifiers: ClinVar variation 280869 (VCV000280869.32), dbSNP rs886041997, ClinGen allele CA10603332.

ClinVar aggregate classification (germline): Pathogenic. Review status: criteria provided, multiple submitters, no conflicts (2 of 4 stars). 2 submissions from 2 submitters: Pathogenic (2). Last evaluated 2024-09-25.
ClinVar aggregate classification (somatic clinical impact): Tier II - Potential (1 of 4 stars; one submission).

Conditions:
Desmoplastic/nodular medulloblastoma. Also called: Medulloblastoma, desmoplastic, somatic; Desmoplastic medulloblastoma. Identifiers: Orphanet 251863, MedGen C0751291, MONDO:0016711.
Alveolar rhabdomyosarcoma (RMS2). Also called: Alveolar rhabdomyosarcoma (disease); RHABDOMYOSARCOMA 2. Identifiers: Orphanet 780, Orphanet 99756, MedGen C0206655, MONDO:0009994, OMIM 268220, HP:0006779.

Submissions (3):

Institute for Genomic Medicine (IGM) Clinical Laboratory, Nationwide Children's Hospital
Classification: Tier II - Potential for Alveolar rhabdomyosarcoma. Assertion type: diagnostic. Clinical significance: supports diagnosis. Last evaluated: 2025-04-03. Review status: criteria provided, single submitter. Criteria: AMP/ASCO/CAP Guidelines, 2017. Collection method: clinical testing. Allele origin: somatic. Affected: yes.
Comment: Variant has Tier II (potential) clinical significance as a diagnostic inclusion criterion in alveolar rhabdomyosarcoma, based on the following evidence: 1) Documented in one or more cancer databases (e.g., St. Jude Pecan, COSMIC, CIViC, OncoKB). 2) Information in the literature supports potential biologic effect of variant (PMID: 24130125). 3) Assists in diagnosis alone or along with other biomarkers based on small studies or few case reports (Evidence Level D; PMIDs: 24130125, 37882064).

GeneDx
Classification: Pathogenic. Last evaluated: 2024-09-25. Review status: criteria provided, single submitter. Criteria: GeneDx Variant Classification Process June 2021. Collection method: clinical testing. Allele origin: germline. Affected: yes.
Comment: Frameshift variant predicted to result in protein truncation or nonsense mediated decay in a gene for which loss of function is a known mechanism of disease; Not observed at significant frequency in large population cohorts (gnomAD); This variant is associated with the following publications: (PMID: 24130125, 27346418, 24658009, 32334335, 33057194, 35982159, 30275357, 28319062)

Laboratory of Neurooncology, Almazov National Medical Research Centre
Classification: Pathogenic for Desmoplastic/nodular medulloblastoma. Last evaluated: 2022-09-15. Review status: criteria provided, single submitter. Criteria: Assertion Criteria. Collection method: clinical testing. Allele origin: somatic. Inheritance: Somatic mutation. Affected: yes.

Literature cited by the submitters: PubMed 24130125 (cited by Institute for Genomic Medicine (IGM) Clinical Laboratory, Nationwide Children's Hospital); PubMed 37882064 (cited by Institute for Genomic Medicine (IGM) Clinical Laboratory, Nationwide Children's Hospital); DOI 10.1016/j.gde.2020.02.021 (cited by Laboratory of Neurooncology, Almazov National Medical Research Centre).